The following is an entry in ClinVar:

NM_024577.4(SH3TC2):c.3103A>G (p.Ile1035Val)

Gene: SH3TC2 (SH3 domain and tetratricopeptide repeats 2; minus strand). Cytogenetic location: 5q32.
Variant type: single nucleotide variant.
Coding change: c.3103A>G on transcript NM_024577.4 (MANE Select); coding-DNA position 3103, A replaced by G.
Protein change: p.Ile1035Val; replaces isoleucine 1035 with valine.
Molecular consequence: missense variant.
Genome position (GRCh38, 1-based): chr5:149,012,685, T>C on the plus strand (A>G on the coding strand, the complement: SH3TC2 is on the minus strand). VCF-style: chr5-149012685-T-C. GRCh37 (hg19) VCF-style: chr5-148392248-T-C.
Other names: c.3103A>G (NM_024577.3); short protein forms I1035V.
Identifiers: ClinVar variation 1423946 (VCV001423946.4), dbSNP rs369953562, ClinGen allele CA3498853.

ClinVar aggregate classification (germline): Uncertain significance. Review status: criteria provided, multiple submitters, no conflicts (2 of 4 stars). 2 submissions from 2 submitters: Uncertain significance (2). Last evaluated 2023-02-23.

Conditions:
Charcot-Marie-Tooth disease type 4. Also called: Charcot-Marie-Tooth, Type 4; Charcot-Marie-Tooth disease, type IV. Identifiers: Orphanet 64749, MedGen C4082197, MONDO:0018995.
Inborn genetic diseases. Identifiers: MedGen C0950123, MeSH D030342.

Allele frequency attached by ClinVar (database versions not stated): gnomAD exomes 0.00002 and 0.00003; ExAC 0.00002; gnomAD 0.00002 and 0.00003; ESP Exome Variant Server 0.00008.
gnomAD v4.1: 40 of 1,614,024 alleles (0.0025%); highest among the groups gnomAD compares: African/African-American, 0.004%; no homozygotes.

Submissions (2):

Ambry Genetics
Classification: Uncertain significance for Inborn genetic diseases. Last evaluated: 2023-02-23. Review status: criteria provided, single submitter. Criteria: Ambry Variant Classification Scheme 2023. Collection method: clinical testing. Allele origin: germline.

Labcorp Genetics (formerly Invitae), Labcorp
Classification: Uncertain significance for Charcot-Marie-Tooth disease type 4. Last evaluated: 2021-10-19. Review status: criteria provided, single submitter. Criteria: Invitae Variant Classification Sherloc (09022015). Collection method: clinical testing. Allele origin: germline.
Comment: This sequence change replaces isoleucine with valine at codon 1035 of the SH3TC2 protein (p.Ile1035Val). The isoleucine residue is moderately conserved and there is a small physicochemical difference between isoleucine and valine. This variant is present in population databases (rs369953562, ExAC 0.01%). This variant has not been reported in the literature in individuals affected with SH3TC2-related conditions. Advanced modeling of protein sequence and biophysical properties (such as structural, functional, and spatial information, amino acid conservation, physicochemical variation, residue mobility, and thermodynamic stability) performed at Invitae indicates that this missense variant is not expected to disrupt SH3TC2 protein function. In summary, the available evidence is currently insufficient to determine the role of this variant in disease. Therefore, it has been classified as a Variant of Uncertain Significance.